The following is an entry in ClinVar:

ClinVar aggregate classification (germline): Uncertain significance (1 of 4 stars; one submission).

Conditions:
Nephrotic syndrome, type 11 (NPHS11). Identifiers: Orphanet 656, MedGen C4225228, MONDO:0014752, OMIM 616730.

Submission:

Precision Medicine Center, Zhengzhou University
Classification: Uncertain significance for Nephrotic syndrome, type 11. Last evaluated: 2023-12-01. Review status: criteria provided, single submitter. Criteria: ACMG Guidelines, 2015. Collection method: clinical testing. Allele origin: paternal. Affected: no.
Comment: PM2_p

NM_020401.4(NUP107):c.1451_1453del (p.Gly484del)

Gene: NUP107 (nucleoporin 107; plus strand). Cytogenetic location: 12q15.
Variant type: Deletion.
Coding change: c.1451_1453del on transcript NM_020401.4 (MANE Select); coding-DNA positions 1451 to 1453, 3 bases deleted (GAG; older notation c.1451_1453delGAG).
Protein change: p.Gly484del; deletes glycine 484.
Molecular consequence: inframe deletion.
Genome position (GRCh38, 1-based): chr12:68,721,980-68,721,982, GAG deleted; deleting any 3 consecutive bases within chr12:68,721,979-68,721,982 gives the same sequence; the c. name uses the placement nearest the transcript's 3' end. VCF-style (leftmost placement, unchanged base first): chr12-68721978-GGGA-G. GRCh37 (hg19) VCF-style: chr12-69115758-GGGA-G.
Other names: c.1364_1366del, p.Gly455del (NM_001330192.2); c.1450_1452del (NM_020401.4); short protein forms G455del, G484del.
Identifiers: ClinVar variation 2681771 (VCV002681771.2), dbSNP rs2498966081.